The following is an entry in ClinVar:

NM_001083926.2(ASRGL1):c.107G>A (p.Gly36Asp)

Gene: ASRGL1 (asparaginase and isoaspartyl peptidase 1; plus strand). Cytogenetic location: 11q12.3.
Variant type: single nucleotide variant.
Coding change: c.107G>A on transcript NM_001083926.2 (MANE Select); coding-DNA position 107, G replaced by A.
Protein change: p.Gly36Asp; replaces glycine 36 with aspartic acid.
Molecular consequence: missense variant.
Genome position (GRCh38, 1-based): chr11:62,338,084, G>A. VCF-style: chr11-62338084-G-A. GRCh37 (hg19) VCF-style: chr11-62105556-G-A.
Other names: c.107G>A, p.Gly36Asp (NM_025080.4); short protein forms G36D.
Identifiers: ClinVar variation 3633227 (VCV003633227.2).
Genomic context (GRCh38, chr11:62,338,084, plus strand): 5'-CCAAGGATCGGAAGGAGCGAGTGCACCAGGGCATGGTCAGAGCCGCCACCGTGGGCTACG[G>A]CATCCTCCGGGAGGGCGGGAGCGCCGTGGATGCCGTAGAGGGAGCTGTCGTCGCCCTGGA-3'
Protein context (NP_001077395.1, residues 26-46): GMVRAATVGY[Gly36Asp]ILREGGSAVD

ClinVar aggregate classification (germline): Uncertain significance (1 of 4 stars; one submission).

Submission:

Labcorp Genetics (formerly Invitae), Labcorp
Classification: Uncertain significance. Last evaluated: 2024-03-25. Review status: criteria provided, single submitter. Criteria: Invitae Variant Classification Sherloc (09022015). Collection method: clinical testing. Allele origin: germline.
Comment: This sequence change replaces glycine, which is neutral and non-polar, with aspartic acid, which is acidic and polar, at codon 36 of the ASRGL1 protein (p.Gly36Asp). The frequency data for this variant in the population databases is considered unreliable, as metrics indicate poor data quality at this position in the gnomAD database. This variant has not been reported in the literature in individuals affected with ASRGL1-related conditions. An algorithm developed to predict the effect of missense changes on protein structure and function (PolyPhen-2) suggests that this variant is likely to be tolerated. In summary, the available evidence is currently insufficient to determine the role of this variant in disease. Therefore, it has been classified as a Variant of Uncertain Significance.